The following is an entry in ClinVar:

NM_001286577.2(C2CD3):c.5506A>G (p.Thr1836Ala)

Gene: C2CD3 (C2 domain containing 3 centriole elongation regulator; minus strand). Cytogenetic location: 11q13.4.
Variant type: single nucleotide variant.
Coding change: c.5506A>G on transcript NM_001286577.2 (MANE Select); coding-DNA position 5506, A replaced by G.
Protein change: p.Thr1836Ala; replaces threonine 1836 with alanine.
Molecular consequence: missense variant.
Genome position (GRCh38, 1-based): chr11:74,042,208, T>C on the plus strand (A>G on the coding strand, the complement: C2CD3 is on the minus strand). VCF-style: chr11-74042208-T-C. GRCh37 (hg19) VCF-style: chr11-73753253-T-C.
Other names: c.5506A>G, p.Thr1836Ala (NM_015531.6); c.5506A>G (NM_015531.4); short protein forms T1836A.
Identifiers: ClinVar variation 1397237 (VCV001397237.6), dbSNP rs139827923, ClinGen allele CA6181844.

ClinVar aggregate classification (germline): Uncertain significance. Review status: criteria provided, multiple submitters, no conflicts (2 of 4 stars). 2 submissions from 2 submitters: Uncertain significance (2). Last evaluated 2026-01-14.

Conditions:
Inborn genetic diseases. Identifiers: MedGen C0950123, MeSH D030342.

Allele frequency attached by ClinVar (database versions not stated): ESP Exome Variant Server 0.00008; gnomAD 0.00018 and 0.00019; gnomAD exomes 0.00020 and 0.00026; ExAC 0.00035.
gnomAD v4.1: 315 of 1,594,476 alleles (0.02%); highest among the groups gnomAD compares: Admixed American, 0.025%; no homozygotes.

Submissions (2):

Labcorp Genetics (formerly Invitae), Labcorp
Classification: Uncertain significance. Last evaluated: 2026-01-14. Review status: criteria provided, single submitter. Criteria: Invitae Variant Classification Sherloc (09022015). Collection method: clinical testing. Allele origin: germline.
Comment: This sequence change replaces threonine, which is neutral and polar, with alanine, which is neutral and non-polar, at codon 1836 of the C2CD3 protein (p.Thr1836Ala). The frequency data for this variant in the population databases is considered unreliable, as metrics indicate poor data quality at this position in the gnomAD database. This variant has not been reported in the literature in individuals affected with C2CD3-related conditions. ClinVar contains an entry for this variant (Variation ID: 1397237). Invitae Evidence Modeling of protein sequence and biophysical properties (such as structural, functional, and spatial information, amino acid conservation, physicochemical variation, residue mobility, and thermodynamic stability) indicates that this missense variant is not expected to disrupt C2CD3 protein function with a negative predictive value of 80%. In summary, the available evidence is currently insufficient to determine the role of this variant in disease. Therefore, it has been classified as a Variant of Uncertain Significance.

Ambry Genetics
Classification: Uncertain significance for Inborn genetic diseases. Last evaluated: 2025-09-21. Review status: criteria provided, single submitter. Criteria: Ambry Variant Classification Scheme 2023. Collection method: clinical testing. Allele origin: germline.